The following is an entry in ClinVar:

ClinVar aggregate classification (germline): Likely pathogenic. Review status: criteria provided, multiple submitters, no conflicts (2 of 4 stars). 2 submissions from 2 submitters: Likely pathogenic (2). Last evaluated 2025-07-15.

Conditions:
Cardiovascular phenotype. Identifiers: MedGen CN230736.
Hereditary cancer-predisposing syndrome. Also called: Hereditary Cancer Syndrome; Tumor predisposition; Neoplastic Syndromes, Hereditary; Hereditary neoplastic syndrome. Identifiers: Orphanet 140162, MedGen C0027672, MeSH D009386, MONDO:0015356.

Submissions (2):

Labcorp Genetics (formerly Invitae), Labcorp
Classification: Likely pathogenic. Last evaluated: 2025-07-15. Review status: criteria provided, single submitter. Criteria: Invitae Variant Classification Sherloc (09022015). Collection method: clinical testing. Allele origin: germline.
Comment: This sequence change affects a donor splice site in intron 16 of the LZTR1 gene. It is expected to disrupt RNA splicing. Variants that disrupt the donor or acceptor splice site typically lead to a loss of protein function (PMID: 16199547), and loss-of-function variants in LZTR1 are known to be pathogenic (PMID: 24362817, 25335493, 25480913, 25795793, 29469822, 30368668, 30442762, 30442766, 30481304, 30859559). This variant is not present in population databases (gnomAD no frequency). This variant has not been reported in the literature in individuals affected with LZTR1-related conditions. ClinVar contains an entry for this variant (Variation ID: 2727508). Algorithms developed to predict the effect of sequence changes on RNA splicing suggest that this variant may disrupt the consensus splice site. In summary, the currently available evidence indicates that the variant is pathogenic, but additional data are needed to prove that conclusively. Therefore, this variant has been classified as Likely Pathogenic.

Ambry Genetics
Classification: Likely pathogenic for Cardiovascular phenotype; Hereditary cancer-predisposing syndrome. Last evaluated: 2025-02-13. Review status: criteria provided, single submitter. Criteria: Ambry Variant Classification Scheme 2023. Collection method: clinical testing. Allele origin: germline.
Comment: The c.1942+1G>A intronic variant results from a G to A substitution one nucleotide after coding exon 16 of the LZTR1 gene. This variant is considered to be rare based on population cohorts in the Genome Aggregation Database (gnomAD). This nucleotide position is highly conserved in available vertebrate species. In silico splice site analysis predicts that this alteration will weaken the native splice donor site. RNA studies have demonstrated that this alteration results in abnormal splicing in the set of samples tested (Ambry internal data). Another variant impacting the same donor site (c.1942+1G>C) has been shown to have a similar impact on splicing in an individual with features consistent with LZTR1-related schwannomatosis (Ambry internal data). Alterations that disrupt the canonical splice site are expected to cause aberrant splicing, resulting in an abnormal protein or a transcript that is subject to nonsense-mediated mRNA decay. Loss-of-function variants in LZTR1 are related to an increased risk for schwannomas and autosomal recessive Noonan syndrome; however, such associations with autosomal dominant Noonan syndrome have not been observed (Piotrowski A et al. Nat Genet. 2014 Feb;46:182-7; Yamamoto GL et al. J Med Genet. 2015 Jun;52:413-21; Johnston JJ et al. Genet Med. 2018 10;20:1175-1185). Based on the supporting evidence, this variant is likely pathogenic for an increased risk of LZTR1-related schwannomatosis (SWN) and would be expected to cause autosomal recessive Noonan syndrome when present along with a second pathogenic or likely pathogenic variant on the other allele; however, the association of this alteration with autosomal dominant Noonan syndrome is unlikely.

Literature cited by the submitters: PubMed 16199547 (cited by Labcorp Genetics (formerly Invitae), Labcorp); PubMed 24362817 (cited by Labcorp Genetics (formerly Invitae), Labcorp); PubMed 25335493 (cited by Labcorp Genetics (formerly Invitae), Labcorp); PubMed 25480913 (cited by Labcorp Genetics (formerly Invitae), Labcorp); PubMed 25795793 (cited by Labcorp Genetics (formerly Invitae), Labcorp); PubMed 29469822 (cited by Labcorp Genetics (formerly Invitae), Labcorp); PubMed 30368668 (cited by Labcorp Genetics (formerly Invitae), Labcorp); PubMed 30442762 (cited by Labcorp Genetics (formerly Invitae), Labcorp); PubMed 30442766 (cited by Labcorp Genetics (formerly Invitae), Labcorp); PubMed 30481304 (cited by Labcorp Genetics (formerly Invitae), Labcorp); PubMed 30859559 (cited by Labcorp Genetics (formerly Invitae), Labcorp).

NM_006767.4(LZTR1):c.1942+1G>A

Gene: LZTR1 (leucine zipper like post translational regulator 1; plus strand). Cytogenetic location: 22q11.21.
Variant type: single nucleotide variant.
Coding change: c.1942+1G>A on transcript NM_006767.4 (MANE Select); the canonical splice donor site of the intron after coding-DNA position 1942, G replaced by A.
Molecular consequence: splice donor variant.
Genome position (GRCh38, 1-based): chr22:20,995,027, G>A. VCF-style: chr22-20995027-G-A. GRCh37 (hg19) VCF-style: chr22-21349316-G-A.
Other names: c.1942+1G>A (NM_006767.3).
Identifiers: ClinVar variation 2727508 (VCV002727508.4), dbSNP rs765095992, ClinGen allele CA322270224.